The following is an entry in ClinVar:

NM_005267.5(GJA8):c.904G>A (p.Glu302Lys)

Gene: GJA8 (gap junction protein alpha 8; plus strand). Cytogenetic location: 1q21.2.
Variant type: single nucleotide variant.
Coding change: c.904G>A on transcript NM_005267.5 (MANE Select); coding-DNA position 904, G replaced by A.
Protein change: p.Glu302Lys; replaces glutamic acid 302 with lysine.
Molecular consequence: missense variant.
Genome position (GRCh38, 1-based): chr1:147,908,859, G>A. VCF-style: chr1-147908859-G-A. GRCh37 (hg19) VCF-style: chr1-147380986-G-A.
Other names: short protein forms E302K.
Identifiers: ClinVar variation 3688085 (VCV003688085.2).

ClinVar aggregate classification (germline): Uncertain significance (1 of 4 stars; one submission).

Conditions:
Cataract 1 multiple types. Also called: CATARACT, DUFFY-LINKED; CATARACT 1, POSTERIOR SUBCAPSULAR, WITH MICROCORNEA; CATARACT 1, STELLATE NUCLEAR, WITH MICROCORNEA; CATARACT 1, NUCLEAR PROGRESSIVE; CATARACT 1 WITH MICROCORNEA; CATARACT 1, MULTIPLE TYPES, WITH OR WITHOUT MICROCORNEA. Identifiers: Orphanet 1377, MedGen C1861828, MONDO:0007285, OMIM 116200.

gnomAD v4.1: 20 of 1,614,164 alleles (0.0012%); highest among the groups gnomAD compares: Non-Finnish European, 0.0016%; no homozygotes.

Submission:

Labcorp Genetics (formerly Invitae), Labcorp
Classification: Uncertain significance for Cataract 1 multiple types. Last evaluated: 2024-02-19. Review status: criteria provided, single submitter. Criteria: Invitae Variant Classification Sherloc (09022015). Collection method: clinical testing. Allele origin: germline.
Comment: This sequence change replaces glutamic acid, which is acidic and polar, with lysine, which is basic and polar, at codon 302 of the GJA8 protein (p.Glu302Lys). This variant is present in population databases (no rsID available, gnomAD 0.0009%). This variant has not been reported in the literature in individuals affected with GJA8-related conditions. Advanced modeling of protein sequence and biophysical properties (such as structural, functional, and spatial information, amino acid conservation, physicochemical variation, residue mobility, and thermodynamic stability) has been performed at Invitae for this missense variant, however the output from this modeling did not meet the statistical confidence thresholds required to predict the impact of this variant on GJA8 protein function. In summary, the available evidence is currently insufficient to determine the role of this variant in disease. Therefore, it has been classified as a Variant of Uncertain Significance.